The following is an entry in ClinVar:

NM_001347.4(DGKQ):c.2127C>T (p.Ala709=)

Gene: DGKQ (diacylglycerol kinase theta; minus strand). Cytogenetic location: 4p16.3.
Variant type: single nucleotide variant.
Coding change: c.2127C>T on transcript NM_001347.4 (MANE Select); coding-DNA position 2127, C replaced by T.
Protein change: p.Ala709=; no amino-acid change (alanine 709 retained).
Molecular consequence: synonymous variant.
Genome position (GRCh38, 1-based): chr4:962,522, G>A on the plus strand (C>T on the coding strand, the complement: DGKQ is on the minus strand). VCF-style: chr4-962522-G-A. GRCh37 (hg19) VCF-style: chr4-956310-G-A.
Identifiers: ClinVar variation 2654533 (VCV002654533.24), dbSNP rs568501834, ClinGen allele CA2800130.

ClinVar aggregate classification (germline): Likely benign (1 of 4 stars; one submission).

Allele frequency attached by ClinVar (database versions not stated): TOPMed 0.00005; gnomAD 0.00015; 1000 Genomes Project 0.00060; 1000 Genomes Project 30x 0.00062.

Submission:

CeGaT Center for Human Genetics Tuebingen
Classification: Likely benign. Last evaluated: 2022-11-01. Review status: criteria provided, single submitter. Criteria: CeGaT Center For Human Genetics Tuebingen Variant Classification Criteria Version 2. Collection method: clinical testing. Allele origin: germline. Affected: yes. Observed: 1 variant allele.
Comment: DGKQ: BP4, BP7